The following is an entry in ClinVar:

ClinVar aggregate classification (germline): Benign. Review status: criteria provided, multiple submitters, no conflicts (2 of 4 stars). 3 submissions from 3 submitters: Benign (3). Last evaluated 2021-05-15.

Conditions:
Qualitative or quantitative defects of beta-sarcoglycan. Identifiers: Orphanet 207063, MedGen C2930900, MONDO:0016142.

Allele frequency attached by ClinVar (database versions not stated): 1000 Genomes Project 30x 0.34900; 1000 Genomes Project 0.34904; TOPMed 0.42959; gnomAD 0.43016 and 0.43151; gnomAD exomes 0.55241.

Submissions (3):

GeneDx
Classification: Benign. Last evaluated: 2021-05-15. Review status: criteria provided, single submitter. Criteria: GeneDx Variant Classification Process June 2021. Collection method: clinical testing. Allele origin: germline. Affected: yes.

Illumina Laboratory Services, Illumina
Classification: Benign for Qualitative or quantitative defects of beta-sarcoglycan. Last evaluated: 2018-01-13. Review status: criteria provided, single submitter. Criteria: ICSL Variant Classification Criteria 13 December 2019. Collection method: clinical testing. Allele origin: germline.
Comment: This variant was observed in the ICSL laboratory as part of a predisposition screen in an ostensibly healthy population. It had not been previously curated by ICSL or reported in the Human Gene Mutation Database (HGMD: prior to June 1st, 2018), and was therefore a candidate for classification through an automated scoring system. Utilizing variant allele frequency, disease prevalence and penetrance estimates, and inheritance mode, an automated score was calculated to assess if this variant is too frequent to cause the disease. Based on the score and internal cut-off values, a variant classified as benign is not then subjected to further curation. The score for this variant resulted in a classification of benign for this disease.

Breakthrough Genomics
Classification: Benign. Review status: criteria provided, single submitter. Criteria: ACMG Guidelines, 2015. Collection method: not provided. Allele origin: germline. Inheritance: Autosomal recessive inheritance. Affected: yes.

NM_000232.5(SGCB):c.*521A>T

Gene: SGCB (sarcoglycan beta; minus strand). Cytogenetic location: 4q12.
Variant type: single nucleotide variant.
Coding change: c.*521A>T on transcript NM_000232.5 (MANE Select); 521 bases downstream of the stop codon, A replaced by T.
Molecular consequence: 3 prime UTR variant.
Genome position (GRCh38, 1-based): chr4:52,023,436, T>A on the plus strand (A>T on the coding strand, the complement: SGCB is on the minus strand). VCF-style: chr4-52023436-T-A. GRCh37 (hg19) VCF-style: chr4-52889602-T-A.
Identifiers: ClinVar variation 348877 (VCV000348877.9), dbSNP rs225165, ClinGen allele CA10621130.